The following is an entry in ClinVar:

ClinVar aggregate classification (germline): Uncertain significance (1 of 4 stars; one submission).

Conditions:
Inborn genetic diseases. Identifiers: MedGen C0950123, MeSH D030342.

Submission:

Ambry Genetics
Classification: Uncertain significance for Inborn genetic diseases. Last evaluated: 2026-06-02. Review status: criteria provided, single submitter. Criteria: Ambry Variant Classification Scheme 2023. Collection method: clinical testing. Allele origin: germline.
Comment: The p.K753R variant (also known as c.2258A>G), located in coding exon 12 of the BMPR2 gene, results from an A to G substitution at nucleotide position 2258. The lysine at codon 753 is replaced by arginine, an amino acid with highly similar properties. This amino acid position is conserved. In addition, the in silico prediction for this alteration is inconclusive. Based on the available evidence, the clinical significance of this variant remains unclear.

NM_001204.7(BMPR2):c.2258A>G (p.Lys753Arg)

Gene: BMPR2 (bone morphogenetic protein receptor type 2; plus strand). Cytogenetic location: 2q33.2.
Variant type: single nucleotide variant.
Coding change: c.2258A>G on transcript NM_001204.7 (MANE Select); coding-DNA position 2258, A replaced by G.
Protein change: p.Lys753Arg; replaces lysine 753 with arginine.
Molecular consequence: missense variant.
Genome position (GRCh38, 1-based): chr2:202,555,923, A>G. VCF-style: chr2-202555923-A-G. GRCh37 (hg19) VCF-style: chr2-203420646-A-G.
Other names: short protein forms K753R.
Identifiers: ClinVar variation 4867650 (VCV004867650.1).
Genomic context (GRCh38, chr2:202,555,923, plus strand): 5'-TGATTCCTGATGTTCTGCCTACTCAGATCTATCCTCTCCCCAAGCAGCAGAACCTTCCCA[A>G]GAGACCTACTAGTTTGCCTTTGAACACCAAAAATTCAACAAAAGAGCCCCGGCTAAAATT-3'
Protein context (NP_001195.2, residues 743-763): YPLPKQQNLP[Lys753Arg]RPTSLPLNTK